The following is an entry in ClinVar:

ClinVar aggregate classification (germline): Conflicting classifications of pathogenicity. Review status: criteria provided, conflicting classifications (1 of 4 stars). 4 submissions from 4 submitters: Uncertain significance (2); Likely benign (1). 1 of the submissions does not count toward it. Last evaluated 2024-12-02.

Conditions:
Short-rib thoracic dysplasia 10 with or without polydactyly (SRTD10). Identifiers: Orphanet 474, MedGen C3810175, MONDO:0014284, OMIM 615630.
Bardet-Biedl syndrome 20. Identifiers: MedGen C4310707, MONDO:0023670, OMIM 619471, MONDO:0014926.
Retinitis pigmentosa 71 (RP71). Identifiers: Orphanet 791, MedGen C4225342, MONDO:0014618, OMIM 616394.
IFT172-related disorder. Also called: IFT172-related disorders; IFT172-related condition.

Allele frequency attached by ClinVar (database versions not stated): gnomAD 0.00002 and 0.00003; TOPMed 0.00002; gnomAD exomes 0.00008 and 0.00011; ExAC 0.00009.
gnomAD v4.1: 126 of 1,612,684 alleles (0.0078%); highest among the groups gnomAD compares: South Asian, 0.058%; no homozygotes.

Submissions (4):

Labcorp Genetics (formerly Invitae), Labcorp
Classification: Likely benign for Retinitis pigmentosa 71; Short-rib thoracic dysplasia 10 with or without polydactyly. Last evaluated: 2024-12-02. Review status: criteria provided, single submitter. Criteria: Invitae Variant Classification Sherloc (09022015). Collection method: clinical testing. Allele origin: germline.

Blueprint Genetics
Classification: Uncertain significance. Last evaluated: 2024-11-20. Review status: criteria provided, single submitter. Criteria: ACMG Guidelines, 2015. Collection method: clinical testing. Allele origin: germline.

Fulgent Genetics
Classification: Uncertain significance for Short-rib thoracic dysplasia 10 with or without polydactyly; Retinitis pigmentosa 71; Bardet-Biedl syndrome 20. Last evaluated: 2024-05-21. Review status: criteria provided, single submitter. Criteria: ACMG Guidelines, 2015. Collection method: clinical testing. Allele origin: germline.

PreventionGenetics, part of Exact Sciences
Classification: Uncertain significance for IFT172-related condition. Last evaluated: 2024-05-30. Review status: no assertion criteria provided. Collection method: clinical testing. Allele origin: germline. Not counted in ClinVar's aggregate classification.
Comment: The IFT172 c.1414G>A variant is predicted to result in the amino acid substitution p.Asp472Asn. To our knowledge, this variant has not been reported in the literature. This variant is reported in 0.062% of alleles in individuals of South Asian descent in gnomAD, which may be too common to be a primary cause of disease. Although we suspect that this variant may be benign, at this time, the clinical significance of this variant is uncertain due to the absence of conclusive functional and genetic evidence.

NM_015662.3(IFT172):c.1414G>A (p.Asp472Asn)

Gene: IFT172 (intraflagellar transport 172; minus strand). Cytogenetic location: 2p23.3.
Variant type: single nucleotide variant.
Coding change: c.1414G>A on transcript NM_015662.3 (MANE Select); coding-DNA position 1414, G replaced by A.
Protein change: p.Asp472Asn; replaces aspartic acid 472 with asparagine.
Molecular consequence: missense variant.
Genome position (GRCh38, 1-based): chr2:27,472,360, C>T on the plus strand (G>A on the coding strand, the complement: IFT172 is on the minus strand). VCF-style: chr2-27472360-C-T. GRCh37 (hg19) VCF-style: chr2-27695227-C-T.
Other names: c.1414G>A (NM_015662.2); short protein forms D472N.
Identifiers: ClinVar variation 1366920 (VCV001366920.12), dbSNP rs747544155, ClinGen allele CA1580651.